The following is an entry in ClinVar:

NM_000094.4(COL7A1):c.3458G>A (p.Arg1153His)

Gene: COL7A1 (collagen type VII alpha 1 chain; minus strand). Cytogenetic location: 3p21.31.
Variant type: single nucleotide variant.
Coding change: c.3458G>A on transcript NM_000094.4 (MANE Select); coding-DNA position 3458, G replaced by A.
Protein change: p.Arg1153His; replaces arginine 1153 with histidine.
Molecular consequence: missense variant.
Genome position (GRCh38, 1-based): chr3:48,586,424, C>T on the plus strand (G>A on the coding strand, the complement: COL7A1 is on the minus strand). VCF-style: chr3-48586424-C-T. GRCh37 (hg19) VCF-style: chr3-48623857-C-T.
Other names: short protein forms R1153H.
Identifiers: ClinVar variation 2156451 (VCV002156451.1), dbSNP rs756703259, ClinGen allele CA2380517.

ClinVar aggregate classification (germline): Uncertain significance (1 of 4 stars; one submission).

Allele frequency attached by ClinVar (database versions not stated): ExAC 0.00001; gnomAD exomes 0.00002; TOPMed 0.00002; gnomAD 0.00004.
gnomAD v4.1: 30 of 1,613,736 alleles (0.0019%); highest among the groups gnomAD compares: African/African-American, 0.0053%; no homozygotes.

Submission:

Labcorp Genetics (formerly Invitae), Labcorp
Classification: Uncertain significance. Last evaluated: 2022-08-15. Review status: criteria provided, single submitter. Criteria: Invitae Variant Classification Sherloc (09022015). Collection method: clinical testing. Allele origin: germline.
Comment: This sequence change replaces arginine, which is basic and polar, with histidine, which is basic and polar, at codon 1153 of the COL7A1 protein (p.Arg1153His). This variant is present in population databases (rs756703259, gnomAD 0.006%). This variant has not been reported in the literature in individuals affected with COL7A1-related conditions. Advanced modeling of protein sequence and biophysical properties (such as structural, functional, and spatial information, amino acid conservation, physicochemical variation, residue mobility, and thermodynamic stability) performed at Invitae indicates that this missense variant is expected to disrupt COL7A1 protein function. In summary, the available evidence is currently insufficient to determine the role of this variant in disease. Therefore, it has been classified as a Variant of Uncertain Significance.